The following is an entry in ClinVar:

NM_014672.4(PRORP):c.151A>G (p.Met51Val)

Genes: PRORP (protein only RNase P catalytic subunit; plus strand), PRORP-PSMA6 (PRORP-PSMA6 readthrough; plus strand). Cytogenetic location: 14q13.2.
Variant type: single nucleotide variant.
Coding change: c.151A>G on transcript NM_014672.4 (MANE Select); coding-DNA position 151, A replaced by G.
Protein change: p.Met51Val; replaces methionine 51 with valine.
Molecular consequence: missense variant. On other transcripts: non-coding transcript variant (4), intron variant (3).
Genome position (GRCh38, 1-based): chr14:35,123,396, A>G. VCF-style: chr14-35123396-A-G. GRCh37 (hg19) VCF-style: chr14-35592602-A-G.
Other names: c.151A>G, p.Met51Val (NM_001256678.2, NM_001414503.1); c.-131+486A>G (NM_001256680.2); c.-83+486A>G (NM_001256681.2); c.-26-109A>G (NM_001256679.2); short protein forms M51V.
Identifiers: ClinVar variation 3219065 (VCV003219065.14), dbSNP rs776645614, ClinGen allele CA7154654.
Genomic context (GRCh38, chr14:35,123,396, plus strand): 5'-CTGTTTCTGGCAGACCGCTGTGGCATCAGGAACCAGCAGAGGTTGTTTTCTCTTAAAACA[A>G]TGTCTCCACAGAATACCAAAGCAACGAATCTGATTGCCAAGGCCAGATATCTCAGGAAAG-3'
Protein context (NP_055487.2, residues 41-61): NQQRLFSLKT[Met51Val]SPQNTKATNL

ClinVar aggregate classification (germline): Conflicting classifications of pathogenicity. Review status: criteria provided, conflicting classifications (1 of 4 stars). 2 submissions from 2 submitters: Uncertain significance (1); Likely benign (1). Last evaluated 2024-12-01.

Allele frequency attached by ClinVar (database versions not stated): gnomAD exomes 0.00001; gnomAD 0.00002; TOPMed 0.00005; ExAC 0.00010.
gnomAD v4.1: 22 of 1,614,102 alleles (0.0014%); highest among the groups gnomAD compares: East Asian, 0.033%; no homozygotes.

Submissions (2):

CeGaT Center for Human Genetics Tuebingen
Classification: Uncertain significance. Last evaluated: 2024-12-01. Review status: criteria provided, single submitter. Criteria: CeGaT Center For Human Genetics Tuebingen Variant Classification Criteria Version 2. Collection method: clinical testing. Allele origin: germline. Affected: yes. Observed: 1 variant allele.
Comment: PRORP: PM2, BP4

Ambry Genetics
Classification: Likely benign. Last evaluated: 2023-12-17. Review status: criteria provided, single submitter. Criteria: Ambry Variant Classification Scheme 2023. Collection method: clinical testing. Allele origin: germline.